The following is an entry in ClinVar:

ClinVar aggregate classification (germline): Conflicting classifications of pathogenicity. Review status: criteria provided, conflicting classifications (1 of 4 stars). 4 submissions from 4 submitters: Uncertain significance (1); Benign (1); Likely benign (2). Last evaluated 2026-01-01.

Conditions:
Hereditary cancer-predisposing syndrome. Also called: Hereditary neoplastic syndrome; Neoplastic Syndromes, Hereditary; Tumor predisposition; Hereditary Cancer Syndrome. Identifiers: Orphanet 140162, MedGen C0027672, MeSH D009386, MONDO:0015356.
Familial cancer of breast. Also called: BREAST CANCER, FAMILIAL; Hereditary breast cancer; hereditary breast carcinoma. Identifiers: Orphanet 227535, MedGen C0346153, MONDO:0016419, OMIM 114480. Disease mechanism: loss of function.
Ataxia-telangiectasia syndrome (AT). Also called: LOUIS-BAR SYNDROME; Cerebello-oculocutaneous telangiectasia; Immunodeficiency with ataxia telangiectasia; AT, COMPLEMENTATION GROUP C; Ataxia-telangiectasia, complementation group D; ATAXIA-TELANGIECTASIA, COMPLEMENTATION GROUP A. Identifiers: Orphanet 100, MedGen C0004135, MONDO:0008840, OMIM 208900.

Allele frequency attached by ClinVar (database versions not stated): gnomAD exomes below 0.00001 and 0.00001; gnomAD 0.00001; TOPMed 0.00001.
gnomAD v4.1: 4 of 1,613,834 alleles (0.00025%); highest among the groups gnomAD compares: Non-Finnish European, 0.00034%; no homozygotes.

Submissions (4):

Labcorp Genetics (formerly Invitae), Labcorp
Classification: Likely benign for Ataxia-telangiectasia syndrome. Last evaluated: 2026-01-01. Review status: criteria provided, single submitter. Criteria: Invitae Variant Classification Sherloc (09022015). Collection method: clinical testing. Allele origin: germline.

Myriad Genetics, Inc.
Classification: Benign for Familial cancer of breast. Last evaluated: 2024-05-21. Review status: criteria provided, single submitter. Criteria: Myriad Autosomal Dominant, Autosomal Recessive and X-Linked Classification Criteria (2023). Collection method: clinical testing. Allele origin: unknown.
Comment: This variant is considered benign. This variant is a silent/synonymous amino acid change and it is not expected to impact splicing.

GeneDx
Classification: Uncertain significance. Last evaluated: 2023-12-07. Review status: criteria provided, single submitter. Criteria: GeneDx Variant Classification Process June 2021. Collection method: clinical testing. Allele origin: germline. Affected: yes.
Comment: Not observed at significant frequency in large population cohorts (gnomAD); In silico analysis is inconclusive as to whether the variant alters gene splicing. In the absence of RNA/functional studies, the actual effect of this sequence change is unknown.; Observed in an individual with chronic lymphocytic leukemia (PMID: 21933854); This variant is associated with the following publications: (PMID: 21933854)

Ambry Genetics
Classification: Likely benign for Hereditary cancer-predisposing syndrome. Last evaluated: 2016-11-29. Review status: criteria provided, single submitter. Criteria: Ambry Variant Classification Scheme 2023. Collection method: clinical testing. Allele origin: germline.

NM_000051.4(ATM):c.4947C>T (p.Val1649=)

Gene: ATM (ATM serine/threonine kinase; plus strand). Cytogenetic location: 11q22.3.
Variant type: single nucleotide variant.
Coding change: c.4947C>T on transcript NM_000051.4 (MANE Select); coding-DNA position 4947, C replaced by T.
Protein change: p.Val1649=; no amino-acid change (valine 1649 retained).
Molecular consequence: synonymous variant.
Genome position (GRCh38, 1-based): chr11:108,297,324, C>T. VCF-style: chr11-108297324-C-T. GRCh37 (hg19) VCF-style: chr11-108168051-C-T.
Other names: c.4947C>T, p.Val1649= (NM_001351834.2).
Identifiers: ClinVar variation 485212 (VCV000485212.16), dbSNP rs1436324961, ClinGen allele CA476674603.
Genomic context (GRCh38, chr11:108,297,324, plus strand): 5'-AATTTTTAAAAAATTATTTCTAGATAATCCGCAAGATGGGATTATGGTGAAACTAGTTGT[C>T]AATTTGTTGCAGTTATCCAAGATGGCAATAAACCACACTGGTGAAAAAGAAGTTCTAGGT-3'
Protein context (NP_000042.3, residues 1639-1659): PQDGIMVKLV[Val1649=]NLLQLSKMAI